The following is an entry in ClinVar:

ClinVar aggregate classification (germline): Likely benign. Review status: criteria provided, single submitter (1 of 4 stars). 2 submissions from 2 submitters: Likely benign (1). 1 of the submissions does not count toward it. Last evaluated 2024-03-25.

Conditions:
MPO-related disorder. Also called: MPO-related condition.

Allele frequency attached by ClinVar (database versions not stated): ExAC 0.00004; ESP Exome Variant Server 0.00008; gnomAD 0.00009; TOPMed 0.00010; 1000 Genomes Project 0.00020; 1000 Genomes Project 30x 0.00031.
gnomAD v4.1: 187 of 1,614,166 alleles (0.012%); highest among the groups gnomAD compares: Non-Finnish European, 0.016%; no homozygotes.

Submissions (2):

Blueprint Genetics
Classification: Likely benign. Last evaluated: 2024-03-25. Review status: criteria provided, single submitter. Criteria: ACMG Guidelines, 2015. Collection method: clinical testing. Allele origin: germline.

PreventionGenetics, part of Exact Sciences
Classification: Likely benign for MPO-related condition. Last evaluated: 2019-06-05. Review status: no assertion criteria provided. Collection method: clinical testing. Allele origin: germline. Not counted in ClinVar's aggregate classification.
Comment: This variant is classified as likely benign based on ACMG/AMP sequence variant interpretation guidelines (Richards et al. 2015 PMID: 25741868, with internal and published modifications).

NM_000250.2(MPO):c.495G>T (p.Val165=)

Gene: MPO (myeloperoxidase; minus strand). Cytogenetic location: 17q22.
Variant type: single nucleotide variant.
Coding change: c.495G>T on transcript NM_000250.2 (MANE Select); coding-DNA position 495, G replaced by T.
Protein change: p.Val165=; no amino-acid change (valine 165 retained).
Molecular consequence: synonymous variant.
Genome position (GRCh38, 1-based): chr17:58,279,576, C>A on the plus strand (G>T on the coding strand, the complement: MPO is on the minus strand). VCF-style: chr17-58279576-C-A. GRCh37 (hg19) VCF-style: chr17-56356937-C-A.
Identifiers: ClinVar variation 3044215 (VCV003044215.3), dbSNP rs140392145, ClinGen allele CA8670954.